The following is an entry in ClinVar:

ClinVar aggregate classification (germline): Conflicting classifications of pathogenicity. Review status: criteria provided, conflicting classifications (1 of 4 stars). 4 submissions from 4 submitters: Uncertain significance (3); Likely benign (1). Last evaluated 2024-07-18.

Conditions:
Hereditary cancer-predisposing syndrome. Also called: Tumor predisposition; Neoplastic Syndromes, Hereditary; Hereditary neoplastic syndrome; Hereditary Cancer Syndrome. Identifiers: Orphanet 140162, MedGen C0027672, MeSH D009386, MONDO:0015356.
Familial cancer of breast. Also called: BREAST CANCER, FAMILIAL; Hereditary breast cancer; hereditary breast carcinoma. Identifiers: Orphanet 227535, MedGen C0346153, MONDO:0016419, OMIM 114480. Disease mechanism: loss of function.

Submissions (4):

Myriad Genetics, Inc.
Classification: Likely benign for Familial cancer of breast. Last evaluated: 2024-07-18. Review status: criteria provided, single submitter. Criteria: Myriad Autosomal Dominant, Autosomal Recessive and X-Linked Classification Criteria (2023). Collection method: clinical testing. Allele origin: unknown.
Comment: This variant is considered likely benign. This variant is intronic and is not expected to impact mRNA splicing.

Labcorp Genetics (formerly Invitae), Labcorp
Classification: Uncertain significance for Familial cancer of breast. Last evaluated: 2023-06-15. Review status: criteria provided, single submitter. Criteria: Invitae Variant Classification Sherloc (09022015). Collection method: clinical testing. Allele origin: germline.
Comment: This sequence change falls in intron 1 of the BARD1 gene. It does not directly change the encoded amino acid sequence of the BARD1 protein. It affects a nucleotide within the consensus splice site. This variant is not present in population databases (gnomAD no frequency). This variant has not been reported in the literature in individuals affected with BARD1-related conditions. ClinVar contains an entry for this variant (Variation ID: 848744). Variants that disrupt the consensus splice site are a relatively common cause of aberrant splicing (PMID: 17576681, 9536098). Algorithms developed to predict the effect of sequence changes on RNA splicing suggest that this variant may disrupt the consensus splice site. In summary, the available evidence is currently insufficient to determine the role of this variant in disease. Therefore, it has been classified as a Variant of Uncertain Significance.

Sema4
Classification: Uncertain significance for Hereditary cancer-predisposing syndrome. Last evaluated: 2021-09-11. Review status: criteria provided, single submitter. Criteria: Sema4 Curation Guidelines. Collection method: curation. Allele origin: germline.
Comment: The BARD1 c.158+6G>T variant has not been reported in the literature to our knowledge. It was not observed in the large and broad cohorts of the Genome Aggregation Database. The variant has been reported in ClinVar (Variation ID 848744). Splice site prediction tools suggest the variant may not disrupt normal splicing, however these predictions have not been confirmed by transcriptional studies. The evidence is insufficient to meet ACMG/AMP criteria for classifying the variant as benign or pathogenic. Thus, the clinical significance of this variant is currently uncertain.

Color Diagnostics, LLC DBA Color Health
Classification: Uncertain significance for Hereditary cancer-predisposing syndrome. Last evaluated: 2021-07-15. Review status: criteria provided, single submitter. Criteria: ACMG Guidelines, 2015. Collection method: clinical testing. Allele origin: germline.
Comment: This variant causes a G to T nucleotide substitution at the +6 position of intron 1 of the BARD1 gene. Splice site prediction tools are inconclusive regarding the impact of this variant on RNA splicing. To our knowledge, functional studies have not been reported for this variant. This variant has not been reported in individuals affected with hereditary cancer in the literature. This variant has not been identified in the general population by the Genome Aggregation Database (gnomAD). The available evidence is insufficient to determine the role of this variant in disease conclusively. Therefore, this variant is classified as a Variant of Uncertain Significance.

Literature cited by the submitters: PubMed 17576681 (cited by Labcorp Genetics (formerly Invitae), Labcorp); PubMed 9536098 (cited by Labcorp Genetics (formerly Invitae), Labcorp).

NM_000465.4(BARD1):c.158+6G>T

Gene: BARD1 (BRCA1 associated RING domain 1; minus strand). Cytogenetic location: 2q35.
Variant type: single nucleotide variant.
Coding change: c.158+6G>T on transcript NM_000465.4 (MANE Select); 6 bases into the intron after coding-DNA position 158, G replaced by T.
Molecular consequence: intron variant.
Genome position (GRCh38, 1-based): chr2:214,809,406, C>A on the plus strand (G>T on the coding strand, the complement: BARD1 is on the minus strand). VCF-style: chr2-214809406-C-A. GRCh37 (hg19) VCF-style: chr2-215674130-C-A.
Other names: c.158+6G>T (NM_001282548.2, NM_001282543.2, NM_001282545.2 and 2 more transcripts).
Identifiers: ClinVar variation 848744 (VCV000848744.14), dbSNP rs1696451585, ClinGen allele CA916082287.